The following is an entry in ClinVar:

NM_000135.4(FANCA):c.1525G>T (p.Asp509Tyr)

Gene: FANCA (FA complementation group A; minus strand). Cytogenetic location: 16q24.3.
Variant type: single nucleotide variant.
Coding change: c.1525G>T on transcript NM_000135.4 (MANE Select); coding-DNA position 1525, G replaced by T.
Protein change: p.Asp509Tyr; replaces aspartic acid 509 with tyrosine.
Molecular consequence: missense variant.
Genome position (GRCh38, 1-based): chr16:89,783,048, C>A on the plus strand (G>T on the coding strand, the complement: FANCA is on the minus strand). VCF-style: chr16-89783048-C-A. GRCh37 (hg19) VCF-style: chr16-89849456-C-A.
Other names: c.1525G>T, p.Asp509Tyr (NM_001286167.3); short protein forms D509Y.
Identifiers: ClinVar variation 4824584 (VCV004824584.1).
Genomic context (GRCh38, chr16:89,783,048, plus strand): 5'-GCATGGAGGGACAGCTTGCCTTGAGGTCGGCCAGCCGTGTCTTGGCCAATGAGATGTAGT[C>A]TGTGAGGAGGGAGCGGTACTTGCCGGGAACCAGGGGTGGGTGGAGAATGTGCACCTGAGG-3'
Protein context (NP_000126.2, residues 499-519): VPGKYRSLLT[Asp509Tyr]YISLAKTRLA

ClinVar aggregate classification (germline): Uncertain significance (1 of 4 stars; one submission).

Conditions:
Inborn genetic diseases. Identifiers: MedGen C0950123, MeSH D030342.

gnomAD v4.1: 2 of 1,613,692 alleles (0.00012%); highest among the groups gnomAD compares: Non-Finnish European, 0.00017%; no homozygotes.

Submission:

Ambry Genetics
Classification: Uncertain significance for Inborn genetic diseases. Last evaluated: 2026-01-19. Review status: criteria provided, single submitter. Criteria: Ambry Variant Classification Scheme 2023. Collection method: clinical testing. Allele origin: germline.
Comment: The p.D509Y variant (also known as c.1525G>T), located in coding exon 16 of the FANCA gene, results from a G to T substitution at nucleotide position 1525. The aspartic acid at codon 509 is replaced by tyrosine, an amino acid with highly dissimilar properties. This amino acid position is conserved. In addition, this alteration is predicted to be deleterious by in silico analysis. Based on the available evidence, the clinical significance of this variant remains unclear.